The following is an entry in ClinVar:

ClinVar aggregate classification (germline): Likely pathogenic (1 of 4 stars; one submission).

Conditions:
CEACAM16-related disorder. Also called: CEACAM16-related condition.

Submission:

PreventionGenetics, part of Exact Sciences
Classification: Likely pathogenic for CEACAM16-related condition. Last evaluated: 2026-08-19. Review status: criteria provided, single submitter. Criteria: ACMG Guidelines, 2015. Collection method: clinical testing. Allele origin: germline.
Comment: The CEACAM16 c.418A>G variant is predicted to result in the amino acid substitution p.Thr140Ala. This variant was reported to segregate with autosomal dominant non-syndromic hearing loss in three individuals from a single family (Zhang et al. 2020. PubMed ID: 33040498). This variant has not been reported in a large population database (gnomAD), indicating this variant is rare. A different substitution (Pro) at this amino acid position segregated with autosomal dominant hearing loss in a large family with ten affected and seven unaffected individuals (Zheng et al. 2011. PubMed ID: 21368133). This variant is interpreted as likely pathogenic.

NM_001039213.4(CEACAM16):c.418A>G (p.Thr140Ala)

Genes: CEACAM16 (CEA cell adhesion molecule 16, tectorial membrane component; plus strand), CEACAM16-AS1 (CEACAM16, CEACAM19 and PVR antisense RNA 1; minus strand). Cytogenetic location: 19q13.32.
Variant type: single nucleotide variant.
Coding change: c.418A>G on transcript NM_001039213.4 (MANE Select); coding-DNA position 418, A replaced by G.
Protein change: p.Thr140Ala; replaces threonine 140 with alanine.
Molecular consequence: missense variant.
Genome position (GRCh38, 1-based): chr19:44,704,053, A>G. VCF-style: chr19-44704053-A-G. GRCh37 (hg19) VCF-style: chr19-45207323-A-G.
Other names: short protein forms T140A.
Identifiers: ClinVar variation 4997388 (VCV004997388.1).